The following is an entry in ClinVar:

NM_004655.4(AXIN2):c.350T>G (p.Phe117Cys)

Gene: AXIN2 (axin 2; minus strand). Cytogenetic location: 17q24.1.
Variant type: single nucleotide variant.
Coding change: c.350T>G on transcript NM_004655.4 (MANE Select); coding-DNA position 350, T replaced by G.
Protein change: p.Phe117Cys; replaces phenylalanine 117 with cysteine.
Molecular consequence: missense variant.
Genome position (GRCh38, 1-based): chr17:65,558,271, A>C on the plus strand (T>G on the coding strand, the complement: AXIN2 is on the minus strand). VCF-style: chr17-65558271-A-C. GRCh37 (hg19) VCF-style: chr17-63554389-A-C.
Other names: c.350T>G, p.Phe117Cys (NM_001363813.1); short protein forms F117C.
Identifiers: ClinVar variation 3470894 (VCV003470894.1).

ClinVar aggregate classification (germline): Uncertain significance (1 of 4 stars; one submission).

Conditions:
Hereditary cancer-predisposing syndrome. Also called: Tumor predisposition; Neoplastic Syndromes, Hereditary; Hereditary neoplastic syndrome; Hereditary Cancer Syndrome. Identifiers: Orphanet 140162, MedGen C0027672, MeSH D009386, MONDO:0015356.

Submission:

Ambry Genetics
Classification: Uncertain significance for Hereditary cancer-predisposing syndrome. Last evaluated: 2024-11-16. Review status: criteria provided, single submitter. Criteria: Ambry Variant Classification Scheme 2023. Collection method: clinical testing. Allele origin: germline.
Comment: The p.F117C variant (also known as c.350T>G), located in coding exon 1 of the AXIN2 gene, results from a T to G substitution at nucleotide position 350. The phenylalanine at codon 117 is replaced by cysteine, an amino acid with highly dissimilar properties. This amino acid position is conserved. In addition, this alteration is predicted to be deleterious by in silico analysis. Based on the available evidence, the clinical significance of this variant remains unclear.